The following is an entry in ClinVar:

ClinVar aggregate classification (germline): Likely pathogenic (1 of 4 stars; one submission).

Submission:

Labcorp Genetics (formerly Invitae), Labcorp
Classification: Likely pathogenic. Last evaluated: 2022-08-15. Review status: criteria provided, single submitter. Criteria: Invitae Variant Classification Sherloc (09022015). Collection method: clinical testing. Allele origin: germline.
Comment: In summary, the currently available evidence indicates that the variant is pathogenic, but additional data are needed to prove that conclusively. Therefore, this variant has been classified as Likely Pathogenic. This variant is not present in population databases (gnomAD no frequency). This sequence change replaces glycine, which is neutral and non-polar, with aspartic acid, which is acidic and polar, at codon 1213 of the COL4A1 protein (p.Gly1213Asp). This variant disrupts the triple helix domain of COL4A1. Glycine residues within the Gly-Xaa-Yaa repeats of the triple helix domain are required for the structure and stability of fibrillar collagens (PMID: 7695699, 8218237, 19344236). In COL4A1 variants affecting these glycine residues are significantly enriched in individuals with disease (PMID: 9016532, 17078022) compared to the general population (ExAC). Advanced modeling of protein sequence and biophysical properties (such as structural, functional, and spatial information, amino acid conservation, physicochemical variation, residue mobility, and thermodynamic stability) performed at Invitae indicates that this missense variant is expected to disrupt COL4A1 protein function. ClinVar contains an entry for this variant (Variation ID: 1519637). This variant has not been reported in the literature in individuals affected with COL4A1-related conditions.

Literature cited by the submitters: PubMed 7695699; PubMed 8218237; PubMed 19344236; PubMed 9016532; PubMed 17078022.

NM_001845.6(COL4A1):c.3638G>A (p.Gly1213Asp)

Gene: COL4A1 (collagen type IV alpha 1 chain; minus strand). Cytogenetic location: 13q34.
Variant type: single nucleotide variant.
Coding change: c.3638G>A on transcript NM_001845.6 (MANE Select); coding-DNA position 3638, G replaced by A.
Protein change: p.Gly1213Asp; replaces glycine 1213 with aspartic acid.
Molecular consequence: missense variant.
Genome position (GRCh38, 1-based): chr13:110,170,651, C>T on the plus strand (G>A on the coding strand, the complement: COL4A1 is on the minus strand). VCF-style: chr13-110170651-C-T. GRCh37 (hg19) VCF-style: chr13-110822998-C-T.
Other names: short protein forms G1213D.
Identifiers: ClinVar variation 1519637 (VCV001519637.6), dbSNP rs2139156180, ClinGen allele CA388662607.